The following is an entry in ClinVar:

NM_000350.3(ABCA4):c.274G>T (p.Gly92Ter)

Gene: ABCA4 (ATP binding cassette subfamily A member 4; minus strand). Cytogenetic location: 1p22.1.
Variant type: single nucleotide variant.
Coding change: c.274G>T on transcript NM_000350.3 (MANE Select); coding-DNA position 274, G replaced by T.
Protein change: p.Gly92Ter; replaces glycine 92 with a stop codon.
Molecular consequence: nonsense.
Genome position (GRCh38, 1-based): chr1:94,111,466, C>A on the plus strand (G>T on the coding strand, the complement: ABCA4 is on the minus strand). VCF-style: chr1-94111466-C-A. GRCh37 (hg19) VCF-style: chr1-94577022-C-A.
Other names: c.274G>T, p.Gly92Ter (NM_001425324.1); short protein forms G92*.
Identifiers: ClinVar variation 4729636 (VCV004729636.2).

ClinVar aggregate classification (germline): Pathogenic. Review status: criteria provided, multiple submitters, no conflicts (2 of 4 stars). 2 submissions from 2 submitters: Pathogenic (2). Last evaluated 2026-07-01.

Conditions:
Retinal disorder. Also called: Retinopathy; Retinopathies; Retinal Diseases; Retinal disorders. Identifiers: MedGen C0035309, MONDO:0005283, HP:0000488.

Submissions (2):

Genetics Laboratory, Great Ormond Street Hospital NHS Foundation Trust, North Thames Genomic Laboratory Hub
Classification: Pathogenic for Retinal disorders. Last evaluated: 2026-07-01. Review status: criteria provided, single submitter. Criteria: ACGS Best Practice Guidelines for Variant Classification in Rare Disease 2024 v1.2. Collection method: clinical testing. Allele origin: germline. Affected: yes.
Comment: PM2_moderate, PVS1_very-strong

Labcorp Genetics (formerly Invitae), Labcorp
Classification: Pathogenic. Last evaluated: 2025-10-21. Review status: criteria provided, single submitter. Criteria: Invitae Variant Classification Sherloc (09022015). Collection method: clinical testing. Allele origin: germline.
Comment: This sequence change creates a premature translational stop signal (p.Gly92*) in the ABCA4 gene. It is expected to result in an absent or disrupted protein product. Loss-of-function variants in ABCA4 are known to be pathogenic (PMID: 10958761, 24938718, 25312043, 26780318). This variant is not present in population databases (gnomAD no frequency). This variant has not been reported in the literature in individuals affected with ABCA4-related conditions. For these reasons, this variant has been classified as Pathogenic.

Literature cited by the submitters: PubMed 10958761 (cited by Labcorp Genetics (formerly Invitae), Labcorp); PubMed 24938718 (cited by Labcorp Genetics (formerly Invitae), Labcorp); PubMed 25312043 (cited by Labcorp Genetics (formerly Invitae), Labcorp); PubMed 26780318 (cited by Labcorp Genetics (formerly Invitae), Labcorp).